The following is an entry in ClinVar:

NM_003072.5(SMARCA4):c.3731G>A (p.Arg1244His)

Gene: SMARCA4 (SWI/SNF related BAF chromatin remodeling complex subunit ATPase 4; plus strand). Cytogenetic location: 19p13.2.
Variant type: single nucleotide variant.
Coding change: c.3731G>A on transcript NM_003072.5 (MANE Select); coding-DNA position 3731, G replaced by A.
Protein change: p.Arg1244His; replaces arginine 1244 with histidine.
Molecular consequence: missense variant. On other transcripts: non-coding transcript variant (1).
Genome position (GRCh38, 1-based): chr19:11,033,474, G>A. VCF-style: chr19-11033474-G-A. GRCh37 (hg19) VCF-style: chr19-11144150-G-A.
Other names: c.3731G>A, p.Arg1244His (NM_001128844.3, NM_001128845.2, NM_001128846.2 and 5 more transcripts); c.3731G>A (NM_001128849.2); short protein forms R1244H.
Identifiers: ClinVar variation 408606 (VCV000408606.13), dbSNP rs1060502060, ClinGen allele CA16615980.
Genomic context (GRCh38, chr19:11,033,474, plus strand): 5'-TGGACCAGAAGGTGATCCAGGCCGGCATGTTCGACCAGAAGTCCTCCAGCCATGAGCGGC[G>A]CGCCTTCCTGCAGGCCATCCTGGAGCACGAGGAGCAGGATGAGGTGAGCCCAGCACCGGC-3'
Protein context (NP_003063.2, residues 1234-1254): FDQKSSSHER[Arg1244His]AFLQAILEHE

ClinVar aggregate classification (germline): Uncertain significance. Review status: criteria provided, multiple submitters, no conflicts (2 of 4 stars). 4 submissions from 4 submitters: Uncertain significance (4). Last evaluated 2024-07-11.

Conditions:
Hereditary cancer-predisposing syndrome. Also called: Hereditary Cancer Syndrome; Hereditary neoplastic syndrome; Neoplastic Syndromes, Hereditary; Tumor predisposition. Identifiers: Orphanet 140162, MedGen C0027672, MeSH D009386, MONDO:0015356.
Intellectual disability, autosomal dominant 16 (CSS4). Also called: COFFIN-SIRIS SYNDROME 4. Identifiers: Orphanet 1465, MedGen C3553249, MONDO:0013821, OMIM 614609.
Rhabdoid tumor predisposition syndrome 2 (RTPS2). Identifiers: Orphanet 231108, Orphanet 69077, MedGen C2750074, MONDO:0013224, OMIM 613325.

Allele frequency attached by ClinVar (database versions not stated): gnomAD exomes below 0.00001.
gnomAD v4.1: 2 of 1,613,266 alleles (0.00012%); highest among the groups gnomAD compares: Non-Finnish European, 0.00017%; no homozygotes.

Submissions (4):

Ambry Genetics
Classification: Uncertain significance for Hereditary cancer-predisposing syndrome. Last evaluated: 2024-07-11. Review status: criteria provided, single submitter. Criteria: Ambry Variant Classification Scheme 2023. Collection method: clinical testing. Allele origin: germline.
Comment: The p.R1244H variant (also known as c.3731G>A), located in coding exon 25 of the SMARCA4 gene, results from a G to A substitution at nucleotide position 3731. The arginine at codon 1244 is replaced by histidine, an amino acid with highly similar properties. This amino acid position is highly conserved in available vertebrate species. In addition, the in silico prediction for this alteration is inconclusive. Based on the available evidence, the clinical significance of this variant remains unclear.

Baylor Genetics
Classification: Uncertain significance for Rhabdoid tumor predisposition syndrome 2. Last evaluated: 2023-10-30. Review status: criteria provided, single submitter. Criteria: ACMG Guidelines, 2015. Collection method: clinical testing. Allele origin: unknown.

Labcorp Genetics (formerly Invitae), Labcorp
Classification: Uncertain significance for Rhabdoid tumor predisposition syndrome 2. Last evaluated: 2023-06-25. Review status: criteria provided, single submitter. Criteria: Invitae Variant Classification Sherloc (09022015). Collection method: clinical testing. Allele origin: germline.
Comment: This variant has not been reported in the literature in individuals affected with SMARCA4-related conditions. This sequence change replaces arginine, which is basic and polar, with histidine, which is basic and polar, at codon 1244 of the SMARCA4 protein (p.Arg1244His). This variant is not present in population databases (gnomAD no frequency). ClinVar contains an entry for this variant (Variation ID: 408606). Advanced modeling of protein sequence and biophysical properties (such as structural, functional, and spatial information, amino acid conservation, physicochemical variation, residue mobility, and thermodynamic stability) has been performed at Invitae for this missense variant, however the output from this modeling did not meet the statistical confidence thresholds required to predict the impact of this variant on SMARCA4 protein function. In summary, the available evidence is currently insufficient to determine the role of this variant in disease. Therefore, it has been classified as a Variant of Uncertain Significance.

Revvity Omics, Revvity
Classification: Uncertain significance for Intellectual disability, autosomal dominant 16. Last evaluated: 2022-03-11. Review status: criteria provided, single submitter. Criteria: ACMG Guidelines, 2015. Collection method: clinical testing. Allele origin: germline.